The following is an entry in ClinVar:

NM_024408.4(NOTCH2):c.2768G>A (p.Gly923Glu)

Gene: NOTCH2 (notch receptor 2; minus strand). Cytogenetic location: 1p12.
Variant type: single nucleotide variant.
Coding change: c.2768G>A on transcript NM_024408.4 (MANE Select); coding-DNA position 2768, G replaced by A.
Protein change: p.Gly923Glu; replaces glycine 923 with glutamic acid.
Molecular consequence: missense variant.
Genome position (GRCh38, 1-based): chr1:119,941,739, C>T on the plus strand (G>A on the coding strand, the complement: NOTCH2 is on the minus strand). VCF-style: chr1-119941739-C-T. GRCh37 (hg19) VCF-style: chr1-120484362-C-T.
Other names: c.2768G>A, p.Gly923Glu (NM_001200001.2); short protein forms G923E.
Identifiers: ClinVar variation 4741255 (VCV004741255.1).

ClinVar aggregate classification (germline): Uncertain significance (1 of 4 stars; one submission).

Conditions:
Hajdu-Cheney syndrome (HJCYS). Also called: Acroosteolysis dominant type; ACROOSTEOLYSIS WITH OSTEOPOROSIS AND CHANGES IN SKULL AND MANDIBLE; SERPENTINE FIBULA-POLYCYSTIC KIDNEY SYNDROME. Identifiers: Orphanet 955, MedGen C0917715, MONDO:0007057, OMIM 102500.

Submission:

Labcorp Genetics (formerly Invitae), Labcorp
Classification: Uncertain significance for Hajdu-Cheney syndrome. Last evaluated: 2025-08-06. Review status: criteria provided, single submitter. Criteria: Invitae Variant Classification Sherloc (09022015). Collection method: clinical testing. Allele origin: germline.
Comment: This sequence change replaces glycine, which is neutral and non-polar, with glutamic acid, which is acidic and polar, at codon 923 of the NOTCH2 protein (p.Gly923Glu). This variant is not present in population databases (gnomAD no frequency). This variant has not been reported in the literature in individuals affected with NOTCH2-related conditions. Invitae Evidence Modeling of protein sequence and biophysical properties (such as structural, functional, and spatial information, amino acid conservation, physicochemical variation, residue mobility, and thermodynamic stability) indicates that this missense variant is expected to disrupt NOTCH2 protein function with a positive predictive value of 80%. In summary, the available evidence is currently insufficient to determine the role of this variant in disease. Therefore, it has been classified as a Variant of Uncertain Significance.